The following is an entry in ClinVar:

NM_030912.3(TRIM8):c.1417T>C (p.Cys473Arg)

Gene: TRIM8 (tripartite motif containing 8; plus strand). Cytogenetic location: 10q24.32.
Variant type: single nucleotide variant.
Coding change: c.1417T>C on transcript NM_030912.3 (MANE Select); coding-DNA position 1417, T replaced by C.
Protein change: p.Cys473Arg; replaces cysteine 473 with arginine.
Molecular consequence: missense variant. On other transcripts: non-coding transcript variant (1).
Genome position (GRCh38, 1-based): chr10:102,657,115, T>C. VCF-style: chr10-102657115-T-C. GRCh37 (hg19) VCF-style: chr10-104416872-T-C.
Other names: c.1321T>C, p.Cys441Arg (NM_001345950.1); short protein forms C441R, C473R.
Identifiers: ClinVar variation 1320354 (VCV001320354.2), dbSNP rs2135985193, ClinGen allele CA377932497.

ClinVar aggregate classification (germline): Uncertain significance (1 of 4 stars; one submission).

Submission:

GeneDx
Classification: Uncertain significance. Last evaluated: 2019-06-11. Review status: criteria provided, single submitter. Criteria: GeneDx Variant Classification Process June 2021. Collection method: clinical testing. Allele origin: germline. Affected: yes.
Comment: Not observed in large population cohorts (Lek et al., 2016); In silico analysis, which includes protein predictors and evolutionary conservation, supports a deleterious effect; Has not been previously published as pathogenic or benign to our knowledge